The following is an entry in ClinVar:

ClinVar aggregate classification (germline): Uncertain significance (1 of 4 stars; one submission).

Conditions:
Hereditary cancer-predisposing syndrome. Also called: Hereditary Cancer Syndrome; Hereditary neoplastic syndrome; Neoplastic Syndromes, Hereditary; Tumor predisposition. Identifiers: Orphanet 140162, MedGen C0027672, MeSH D009386, MONDO:0015356.

Submission:

Ambry Genetics
Classification: Uncertain significance for Hereditary cancer-predisposing syndrome. Last evaluated: 2025-05-08. Review status: criteria provided, single submitter. Criteria: Ambry Variant Classification Scheme 2023. Collection method: clinical testing. Allele origin: germline.
Comment: The p.A489E variant (also known as c.1466C>A), located in coding exon 14 of the NF2 gene, results from a C to A substitution at nucleotide position 1466. The alanine at codon 489 is replaced by glutamic acid, an amino acid with dissimilar properties. This amino acid position is not well conserved in available vertebrate species. In addition, this alteration is predicted to be tolerated by in silico analysis. Based on the available evidence, the clinical significance of this variant remains unclear.

NM_000268.4(NF2):c.1466C>A (p.Ala489Glu)

Gene: NF2 (NF2, moesin-ezrin-radixin like (MERLIN) tumor suppressor; plus strand). Cytogenetic location: 22q12.2.
Variant type: single nucleotide variant.
Coding change: c.1466C>A on transcript NM_000268.4 (MANE Select); coding-DNA position 1466, C replaced by A.
Protein change: p.Ala489Glu; replaces alanine 489 with glutamic acid.
Molecular consequence: missense variant. On other transcripts: non-coding transcript variant (1), intron variant (1).
Genome position (GRCh38, 1-based): chr22:29,678,215, C>A. VCF-style: chr22-29678215-C-A. GRCh37 (hg19) VCF-style: chr22-30074204-C-A.
Other names: c.1352C>A, p.Ala451Glu (NM_001407053.1, NM_001407056.1); c.1343C>A, p.Ala448Glu (NM_001407054.1, NM_001407058.1, NM_181829.3); c.1340C>A, p.Ala447Glu (NM_001407055.1, NM_181828.3); c.1331C>A, p.Ala444Glu (NM_001407057.1, NM_001407059.1); c.1466C>A, p.Ala489Glu (NM_001407060.1, NM_001407066.1, NM_016418.5 and 2 more transcripts); c.1208C>A, p.Ala403Glu (NM_001407062.1); c.1217C>A, p.Ala406Glu (NM_001407063.1, NM_001407064.1, NM_181830.3 and 1 more transcripts); c.932C>A, p.Ala311Glu (NM_001407065.1); and 2 more; short protein forms A412E, A447E, A448E, A403E, A406E, A489E, A444E, A451E.
Identifiers: ClinVar variation 3919145 (VCV003919145.1).